The following is an entry in ClinVar:

NM_005422.4(TECTA):c.4000G>A (p.Asp1334Asn)

Genes: TBCEL-TECTA (TBCEL-TECTA readthrough; plus strand), TECTA (tectorin alpha; plus strand). Cytogenetic location: 11q23.3.
Variant type: single nucleotide variant.
Coding change: c.4000G>A on transcript NM_005422.4 (MANE Select); coding-DNA position 4000, G replaced by A.
Protein change: p.Asp1334Asn; replaces aspartic acid 1334 with asparagine.
Molecular consequence: missense variant.
Genome position (GRCh38, 1-based): chr11:121,146,011, G>A. VCF-style: chr11-121146011-G-A. GRCh37 (hg19) VCF-style: chr11-121016720-G-A.
Other names: c.4957G>A, p.Asp1653Asn (NM_001378761.1); short protein forms D1334N, D1653N.
Identifiers: ClinVar variation 2415150 (VCV002415150.7), dbSNP rs747039340, ClinGen allele CA6327325.

ClinVar aggregate classification (germline): Uncertain significance. Review status: criteria provided, multiple submitters, no conflicts (2 of 4 stars). 2 submissions from 2 submitters: Uncertain significance (2). Last evaluated 2025-01-25.

Conditions:
Inborn genetic diseases. Identifiers: MedGen C0950123, MeSH D030342.

Allele frequency attached by ClinVar (database versions not stated): gnomAD 0.00001; ExAC 0.00003.
gnomAD v4.1: 23 of 1,614,024 alleles (0.0014%); highest among the groups gnomAD compares: South Asian, 0.014%; no homozygotes.

Submissions (2):

Labcorp Genetics (formerly Invitae), Labcorp
Classification: Uncertain significance. Last evaluated: 2025-01-25. Review status: criteria provided, single submitter. Criteria: Invitae Variant Classification Sherloc (09022015). Collection method: clinical testing. Allele origin: germline.
Comment: This sequence change replaces aspartic acid, which is acidic and polar, with asparagine, which is neutral and polar, at codon 1334 of the TECTA protein (p.Asp1334Asn). This variant is present in population databases (rs747039340, gnomAD 0.02%). This variant has not been reported in the literature in individuals affected with TECTA-related conditions. ClinVar contains an entry for this variant (Variation ID: 2415150). Invitae Evidence Modeling of protein sequence and biophysical properties (such as structural, functional, and spatial information, amino acid conservation, physicochemical variation, residue mobility, and thermodynamic stability) indicates that this missense variant is not expected to disrupt TECTA protein function with a negative predictive value of 95%. In summary, the available evidence is currently insufficient to determine the role of this variant in disease. Therefore, it has been classified as a Variant of Uncertain Significance.

Ambry Genetics
Classification: Uncertain significance for Inborn genetic diseases. Last evaluated: 2023-11-07. Review status: criteria provided, single submitter. Criteria: Ambry Variant Classification Scheme 2023. Collection method: clinical testing. Allele origin: germline.